The following is an entry in ClinVar:

ClinVar aggregate classification (germline): Pathogenic. Review status: criteria provided, multiple submitters, no conflicts (2 of 4 stars). 2 submissions from 2 submitters: Pathogenic (2). Last evaluated 2025-08-06.

Conditions:
Inborn genetic diseases. Identifiers: MedGen C0950123, MeSH D030342.

Allele frequency attached by ClinVar (database versions not stated): gnomAD 0.00001; TOPMed below 0.00001.
gnomAD v4.1: 2 of 1,610,282 alleles (0.00012%); highest among the groups gnomAD compares: Non-Finnish European, 0.00017%; no homozygotes.

Submissions (2):

GeneDx
Classification: Pathogenic. Last evaluated: 2025-08-06. Review status: criteria provided, single submitter. Criteria: GeneDx Variant Classification Process June 2021. Collection method: clinical testing. Allele origin: germline. Affected: yes.
Comment: Nonsense variant predicted to result in protein truncation or nonsense mediated decay in a gene for which loss of function is a known mechanism of disease; Not observed at significant frequency in large population cohorts (gnomAD); This variant is associated with the following publications: (PMID: 38314870)

Ambry Genetics
Classification: Pathogenic for Inborn genetic diseases. Last evaluated: 2021-03-04. Review status: criteria provided, single submitter. Criteria: Ambry Variant Classification Scheme 2023. Collection method: clinical testing. Allele origin: germline.
Comment: The c.3061C>T (p.R1021*) alteration, located in exon 20 (coding exon 20) of the DCC gene, consists of a C to T substitution at nucleotide position 3061. This changes the amino acid from an arginine (R) to a stop codon at amino acid position 1021. This alteration is expected to result in loss of function by premature protein truncation or nonsense-mediated mRNA decay. Based on data from the Genome Aggregation Database (gnomAD), the DCC c.3061C>T alteration was not observed, with coverage at this position. Based on the available evidence, this alteration is classified as pathogenic.

NM_005215.4(DCC):c.3061C>T (p.Arg1021Ter)

Gene: DCC (DCC netrin 1 receptor; plus strand). Cytogenetic location: 18q21.2.
Variant type: single nucleotide variant.
Coding change: c.3061C>T on transcript NM_005215.4 (MANE Select); coding-DNA position 3061, C replaced by T.
Protein change: p.Arg1021Ter; replaces arginine 1021 with a stop codon.
Molecular consequence: nonsense.
Genome position (GRCh38, 1-based): chr18:53,410,577, C>T. VCF-style: chr18-53410577-C-T. GRCh37 (hg19) VCF-style: chr18-50936947-C-T.
Other names: short protein forms R1021*.
Identifiers: ClinVar variation 2229313 (VCV002229313.3), dbSNP rs1909920019, ClinGen allele CA402473133.